The following is an entry in ClinVar:

ClinVar aggregate classification (germline): Benign/Likely benign. Review status: criteria provided, multiple submitters, no conflicts (2 of 4 stars). 6 submissions from 6 submitters: Benign (3); Likely benign (3). Last evaluated 2025-12-31.

Conditions:
Wilms tumor 1 (WT1). Also called: Wilms tumor, somatic. Identifiers: Orphanet 654, MedGen CN033288, MONDO:0008679, OMIM 194070.
Inborn genetic diseases. Identifiers: MedGen C0950123, MeSH D030342.

Allele frequency attached by ClinVar (database versions not stated): gnomAD exomes 0.00007 and 0.00016; ExAC 0.00023; 1000 Genomes Project 0.00053; gnomAD 0.00064 and 0.00065; ESP Exome Variant Server 0.00066; 1000 Genomes Project 30x 0.00083; TOPMed 0.00083.
gnomAD v4.1: 145 of 1,208,817 alleles (0.012%); highest among the groups gnomAD compares: African/African-American, 0.23%; no homozygotes.

Submissions (7):

Labcorp Genetics (formerly Invitae), Labcorp
Classification: Benign for Wilms tumor 1. Last evaluated: 2025-12-31. Review status: criteria provided, single submitter. Criteria: Invitae Variant Classification Sherloc (09022015). Collection method: clinical testing. Allele origin: germline.

Blueprint Genetics
Classification: Likely benign. Last evaluated: 2022-07-25. Review status: criteria provided, single submitter. Criteria: ACMG Guidelines, 2015. Collection method: clinical testing. Allele origin: germline.

GeneDx
Classification: Likely benign. Last evaluated: 2020-07-29. Review status: criteria provided, single submitter. Criteria: GeneDx Variant Classification Process June 2021. Collection method: clinical testing. Allele origin: germline. Affected: yes.

Ambry Genetics
Classification: Benign for Inborn genetic diseases. Last evaluated: 2020-03-22. Review status: criteria provided, single submitter. Criteria: Ambry Variant Classification Scheme 2023. Collection method: clinical testing. Allele origin: germline.

Women's Health and Genetics/Laboratory Corporation of America, LabCorp
Classification: Benign. Last evaluated: 2018-11-19. Review status: criteria provided, single submitter. Criteria: LabCorp Variant Classification Summary - May 2015. Collection method: clinical testing. Allele origin: germline.
Comment: Variant summary: GPC3 c.995A>G (p.Gln332Arg) results in a conservative amino acid change in the encoded protein sequence. Five of five in-silico tools predict a benign effect of the variant on protein function. The variant allele was found at a frequency of 0.00021 in 200296 control chromosomes, predominantly at a frequency of 0.0023 within the African subpopulation in the gnomAD database. The observed variant frequency within African control individuals in the gnomAD database is approximately significantly higher than the estimated maximal expected allele frequency for a pathogenic variant in GPC3 causing Wilms Tumor, Type 1 phenotype (6.3e-08), strongly suggesting that the variant is a benign polymorphism found primarily in populations of African origin. To our knowledge, no occurrence of c.995A>G in individuals affected with Wilms Tumor, Type 1 and no experimental evidence demonstrating its impact on protein function have been reported. One clinical diagnostic laboratory has submitted clinical-significance assessments for this variant to ClinVar after 2014 without evidence for independent evaluation. One laboratory classified the variant as benign. Based on the evidence outlined above, the variant was classified as benign.

Breakthrough Genomics
Classification: Likely benign. Review status: criteria provided, single submitter. Criteria: ACMG Guidelines, 2015. Collection method: not provided. Allele origin: germline. Inheritance: X-linked inheritance. Affected: yes.

Dr. Peter K. Rogan Lab, Western University
No classification provided (evidence only). Condition: Thyroid cancer, nonmedullary, 1. Review status: no classification provided. Collection method: in vitro. Allele origin: not applicable. Functional consequence: retained intron. Not counted in ClinVar's aggregate classification.

NM_004484.4(GPC3):c.995A>G (p.Gln332Arg)

Gene: GPC3 (glypican 3; minus strand). Cytogenetic location: Xq26.2.
Variant type: single nucleotide variant.
Coding change: c.995A>G on transcript NM_004484.4 (MANE Select); coding-DNA position 995, A replaced by G.
Protein change: p.Gln332Arg; replaces glutamine 332 with arginine.
Molecular consequence: missense variant.
Genome position (GRCh38, 1-based): chrX:133,753,519, T>C on the plus strand (A>G on the coding strand, the complement: GPC3 is on the minus strand). VCF-style: chrX-133753519-T-C. GRCh37 (hg19) VCF-style: chrX-132887546-T-C.
Other names: c.995A>G, p.Gln332Arg (NM_001164617.2); c.947A>G, p.Gln316Arg (NM_001164618.2); c.833A>G, p.Gln278Arg (NM_001164619.2); short protein forms Q332R, Q278R, Q316R.
Identifiers: ClinVar variation 239948 (VCV000239948.20), dbSNP rs78696048, ClinGen allele CA10520765.